The following is an entry in ClinVar:

NM_002700.3(POU4F3):c.298C>G (p.Pro100Ala)

Genes: POU4F3 (POU class 4 homeobox 3; plus strand), RBM27-POU4F3 (RBM27-POU4F3 readthrough; plus strand). Cytogenetic location: 5q32.
Variant type: single nucleotide variant.
Coding change: c.298C>G on transcript NM_002700.3 (MANE Select); coding-DNA position 298, C replaced by G.
Protein change: p.Pro100Ala; replaces proline 100 with alanine.
Molecular consequence: missense variant.
Genome position (GRCh38, 1-based): chr5:146,339,725, C>G. VCF-style: chr5-146339725-C-G. GRCh37 (hg19) VCF-style: chr5-145719288-C-G.
Other names: short protein forms P100A.
Identifiers: ClinVar variation 1703900 (VCV001703900.3), dbSNP rs2479692130, ClinGen allele CA361620416.

ClinVar aggregate classification (germline): Uncertain significance (1 of 4 stars; one submission).

Submission:

GeneDx
Classification: Uncertain significance. Last evaluated: 2024-11-13. Review status: criteria provided, single submitter. Criteria: GeneDx Variant Classification Process June 2021. Collection method: clinical testing. Allele origin: germline. Affected: yes.
Comment: Not observed at significant frequency in large population cohorts (gnomAD); In silico analysis indicates that this missense variant does not alter protein structure/function; Has not been previously published as pathogenic or benign to our knowledge